The following is an entry in ClinVar:

ClinVar aggregate classification (germline): Uncertain significance. Review status: criteria provided, multiple submitters, no conflicts (2 of 4 stars). 2 submissions from 2 submitters: Uncertain significance (2). Last evaluated 2024-04-19.

Conditions:
Donnai-Barrow syndrome. Also called: DBS/FOAR SYNDROME; FACIOOCULOACOUSTICORENAL SYNDROME. Identifiers: Orphanet 2143, MedGen C1857277, MONDO:0009104, OMIM 222448.

Allele frequency attached by ClinVar (database versions not stated): TOPMed 0.00001; gnomAD 0.00003 and 0.00004; ESP Exome Variant Server 0.00008.
gnomAD v4.1: 65 of 1,614,070 alleles (0.004%); highest among the groups gnomAD compares: Non-Finnish European, 0.0048%; no homozygotes.

Submissions (2):

Fulgent Genetics
Classification: Uncertain significance for Donnai-Barrow syndrome. Last evaluated: 2024-04-19. Review status: criteria provided, single submitter. Criteria: ACMG Guidelines, 2015. Collection method: clinical testing. Allele origin: germline.

Labcorp Genetics (formerly Invitae), Labcorp
Classification: Uncertain significance. Last evaluated: 2022-08-16. Review status: criteria provided, single submitter. Criteria: Invitae Variant Classification Sherloc (09022015). Collection method: clinical testing. Allele origin: germline.
Comment: This sequence change replaces alanine, which is neutral and non-polar, with valine, which is neutral and non-polar, at codon 3520 of the LRP2 protein (p.Ala3520Val). This variant is present in population databases (rs150113078, gnomAD 0.003%). This variant has not been reported in the literature in individuals affected with LRP2-related conditions. ClinVar contains an entry for this variant (Variation ID: 1477442). Algorithms developed to predict the effect of missense changes on protein structure and function are either unavailable or do not agree on the potential impact of this missense change (SIFT: "Deleterious"; PolyPhen-2: "Possibly Damaging"; Align-GVGD: "Class C15"). Algorithms developed to predict the effect of sequence changes on RNA splicing suggest that this variant may create or strengthen a splice site. In summary, the available evidence is currently insufficient to determine the role of this variant in disease. Therefore, it has been classified as a Variant of Uncertain Significance.

NM_004525.3(LRP2):c.10559C>T (p.Ala3520Val)

Gene: LRP2 (LDL receptor related protein 2; minus strand). Cytogenetic location: 2q31.1.
Variant type: single nucleotide variant.
Coding change: c.10559C>T on transcript NM_004525.3 (MANE Select); coding-DNA position 10559, C replaced by T.
Protein change: p.Ala3520Val; replaces alanine 3520 with valine.
Molecular consequence: missense variant.
Genome position (GRCh38, 1-based): chr2:169,176,423, G>A on the plus strand (C>T on the coding strand, the complement: LRP2 is on the minus strand). VCF-style: chr2-169176423-G-A. GRCh37 (hg19) VCF-style: chr2-170032933-G-A.
Other names: short protein forms A3520V.
Identifiers: ClinVar variation 1477442 (VCV001477442.7), dbSNP rs150113078, ClinGen allele CA1953327.